The following is an entry in ClinVar:

NM_001012759.3(CTU2):c.1097+6_1097+32del

Gene: CTU2 (cytosolic thiouridylase subunit 2; plus strand). Cytogenetic location: 16q24.3.
Variant type: Deletion.
Coding change: c.1097+6_1097+32del on transcript NM_001012759.3 (MANE Select); bases 6 to 32 of the intron after coding-DNA position 1097, 27 bases deleted (GGTGTGTGTGGGTGTGTGCGGGGGGTG).
Molecular consequence: intron variant.
Genome position (GRCh38, 1-based): chr16:88,714,233-88,714,259, GGTGTGTGTGGGTGTGTGCGGGGGGTG deleted; deleting any 27 consecutive bases within chr16:88,714,230-88,714,259 gives the same sequence; the c. name uses the placement nearest the transcript's 3' end. VCF-style (leftmost placement, unchanged base first): chr16-88714229-TGTGGGTGTGTGTGGGTGTGTGCGGGGG-T. GRCh37 (hg19) VCF-style: chr16-88780637-TGTGGGTGTGTGTGGGTGTGTGCGGGGG-T.
Other names: c.1310+6_1310+32del (NM_001318507.2); c.1097+6_1097+32del (NM_001012762.3); c.836+6_836+32del (NM_001318513.2); c.1097+6_1097+32del27 (NM_001012759.2).
Identifiers: ClinVar variation 2052200 (VCV002052200.6), dbSNP rs780574958, ClinGen allele CA8230779.

ClinVar aggregate classification (germline): Benign/Likely benign. Review status: criteria provided, multiple submitters, no conflicts (2 of 4 stars). 3 submissions from 3 submitters: Benign (2); Likely benign (1). Last evaluated 2026-06-29.

Conditions:
CTU2-related disorder. Also called: CTU2-related condition.

Submissions (3):

PreventionGenetics, part of Exact Sciences
Classification: Benign for CTU2-related condition. Last evaluated: 2026-06-29. Review status: criteria provided, single submitter. Criteria: ACMG Guidelines, 2015. Collection method: clinical testing. Allele origin: germline.
Comment: This variant is classified as benign based on ACMG/AMP sequence variant interpretation guidelines (Richards et al. 2015 PMID: 25741868, with internal and published modifications).

Labcorp Genetics (formerly Invitae), Labcorp
Classification: Benign. Last evaluated: 2025-07-04. Review status: criteria provided, single submitter. Criteria: Invitae Variant Classification Sherloc (09022015). Collection method: clinical testing. Allele origin: germline.

Blueprint Genetics
Classification: Likely benign. Last evaluated: 2024-10-24. Review status: criteria provided, single submitter. Criteria: ACMG Guidelines, 2015. Collection method: clinical testing. Allele origin: germline.